The following is an entry in ClinVar:

NM_002230.4(JUP):c.1717G>T (p.Asp573Tyr)

Gene: JUP (junction plakoglobin; minus strand). Cytogenetic location: 17q21.2.
Variant type: single nucleotide variant.
Coding change: c.1717G>T on transcript NM_002230.4 (MANE Select); coding-DNA position 1717, G replaced by T.
Protein change: p.Asp573Tyr; replaces aspartic acid 573 with tyrosine.
Molecular consequence: missense variant.
Genome position (GRCh38, 1-based): chr17:41,758,455, C>A on the plus strand (G>T on the coding strand, the complement: JUP is on the minus strand). VCF-style: chr17-41758455-C-A. GRCh37 (hg19) VCF-style: chr17-39914707-C-A.
Other names: c.1717G>T, p.Asp573Tyr (NM_001352773.2, NM_001352774.2, NM_001352775.2 and 3 more transcripts); short protein forms D573Y.
Identifiers: ClinVar variation 2143679 (VCV002143679.4), dbSNP rs897180029, ClinGen allele CA290696004.
Genomic context (GRCh38, chr17:41,758,455, plus strand): 5'-TCACCTGCACAAACAGGGGAATGGTGTTGAGCCGGAAGATCTCCATGCGGTTCATGGGGT[C>A]CCGGGCGAGGATGTGCAGTGCTCCGGTGCAGCCCTCCACAATCTCCTCCATCCTCACACC-3'
Protein context (NP_002221.1, residues 563-583): CTGALHILAR[Asp573Tyr]PMNRMEIFRL

ClinVar aggregate classification (germline): Uncertain significance (1 of 4 stars; one submission).

Conditions:
Naxos disease (NXD). Also called: WOOLLY HAIR, PALMOPLANTAR KERATODERMA, AND CARDIAC ABNORMALITIES; KERATOSIS PALMOPLANTARIS WITH ARRHYTHMOGENIC CARDIOMYOPATHY; MAL DE NAXOS; PALMOPLANTAR KERATODERMA WITH ARRHYTHMOGENIC RIGHT VENTRICULAR CARDIOMYOPATHY AND WOOLLY HAIR; CARDIOMYOPATHY, ARRHYTHMOGENIC RIGHT VENTRICULAR, WITH SKIN, HAIR, AND NAIL ABNORMALITIES. Identifiers: Orphanet 34217, MedGen C1832600, MONDO:0011017, OMIM 601214.
Arrhythmogenic right ventricular dysplasia 12. Also called: ARRHYTHMOGENIC RIGHT VENTRICULAR DYSPLASIA, FAMILIAL, 12. Identifiers: MedGen C1969081, MONDO:0012684, OMIM 611528.

Allele frequency attached by ClinVar (database versions not stated): gnomAD exomes 0.00001.
gnomAD v4.1: 9 of 1,614,074 alleles (0.00056%); highest among the groups gnomAD compares: Non-Finnish European, 0.00025%; no homozygotes.

Submission:

Labcorp Genetics (formerly Invitae), Labcorp
Classification: Uncertain significance for Arrhythmogenic right ventricular dysplasia 12; Naxos disease. Last evaluated: 2023-02-01. Review status: criteria provided, single submitter. Criteria: Invitae Variant Classification Sherloc (09022015). Collection method: clinical testing. Allele origin: germline.
Comment: In summary, the available evidence is currently insufficient to determine the role of this variant in disease. Therefore, it has been classified as a Variant of Uncertain Significance. Algorithms developed to predict the effect of missense changes on protein structure and function are either unavailable or do not agree on the potential impact of this missense change (SIFT: "Deleterious"; PolyPhen-2: "Probably Damaging"; Align-GVGD: "Class C0"). This variant has not been reported in the literature in individuals affected with JUP-related conditions. This variant is present in population databases (no rsID available, gnomAD 0.03%). This sequence change replaces aspartic acid, which is acidic and polar, with tyrosine, which is neutral and polar, at codon 573 of the JUP protein (p.Asp573Tyr).